The following is an entry in ClinVar:

ClinVar aggregate classification (somatic clinical impact): Tier III - Unknown (1 of 4 stars; one submission).

Conditions:
Basal cell carcinoma. Identifiers: MedGen C0007117, MeSH D002280, MONDO:0020804.

Submission:

Institute of Science, Banaras Hindu University
Classification: Tier III - Unknown for Basal cell carcinoma. Review status: criteria provided, single submitter. Criteria: Submitter's publication. Collection method: research. Allele origin: somatic. Affected: yes. Observed: 1 heterozygote.
Comment: At present, the available evidence is insufficient to clearly establish its role in disease, and therefore the variant is classified as of Uncertain Significance.

NM_001368894.2(PAX6):c.11-1_11insAACA

Gene: PAX6 (paired box 6; minus strand). Cytogenetic location: 11p13.
Variant type: Insertion.
Coding change: c.11-1_11insAACA on transcript NM_001368894.2 (MANE Select); the canonical splice acceptor site of the intron before coding-DNA position 11 through coding-DNA position 11, AACA inserted.
Molecular consequence: splice acceptor variant. On other transcripts: 5 prime UTR variant (5), intron variant (2).
Genome position: GRCh38 VCF-style: chr11-31802834-C-CTGTT. GRCh37 (hg19) VCF-style: chr11-31824382-C-CTGTT.
Other names: c.-772_-771insAACA (NM_001310160.2); c.-730_-729insAACA (NM_001368902.2); c.-441_-440insAACA (NM_001368903.2, NM_001368929.2); c.-399_-398insAACA (NM_001368907.2); c.11-1_11insAACA (NM_001127612.3, NM_001368921.2, NM_001368923.2 and 30 more transcripts); c.254-1_254insAACA (NM_001368910.2); c.-267-1059_-267-1058insAACA (NM_001368909.2, NM_001368904.2); c.14-1_14insAACA (NM_001368911.2); and 3 more.
Identifiers: ClinVar variation 4076121 (VCV004076121.1).